The following is an entry in ClinVar:

ClinVar aggregate classification (germline): Uncertain significance. Review status: criteria provided, multiple submitters, no conflicts (2 of 4 stars). 2 submissions from 2 submitters: Uncertain significance (2). Last evaluated 2024-03-04.

Submissions (2):

ARUP Laboratories, Molecular Genetics and Genomics, ARUP Laboratories
Classification: Uncertain significance. Last evaluated: 2024-03-04. Review status: criteria provided, single submitter. Criteria: ARUP Molecular Germline Variant Investigation Process 2024. Collection method: clinical testing. Allele origin: germline.
Comment: The CFTR c.3376_3381dup; p.Glu1126_Gly1127dup variant (rs1554392764), to our knowledge, is not reported in the medical literature but is reported in ClinVar (Variation ID: 439074). This variant is absent from the Genome Aggregation Database (v2.1.1), indicating it is not a common polymorphism. This variant deletes a duplicates two residues leaving the rest of the protein in-frame. Due to limited information, the clinical significance of this variant is uncertain at this time.

Quest Diagnostics Nichols Institute San Juan Capistrano
Classification: Uncertain significance. Last evaluated: 2017-05-18. Review status: criteria provided, single submitter. Criteria: Quest Diagnostics criteria. Collection method: clinical testing. Allele origin: germline.

NM_000492.3(CFTR):c.3376_3381dup

Genes: CFTR (CF transmembrane conductance regulator; plus strand), CFTR-AS2 (CFTR antisense RNA 2; minus strand). Cytogenetic location: 7q31.2.
Variant type: Microsatellite.
Coding change: c.3376_3381dup on transcript NM_000492.3; coding-DNA positions 3376 to 3381, 6 bases duplicated (GAAGGA; older notation c.3376_3381dupGAAGGA).
Genome position (GRCh38, 1-based): chr7:117,614,621-117,614,626, GAAGGA duplicated; duplicating any 6 consecutive bases within chr7:117,614,611-117,614,626 gives the same sequence; the c. name uses the placement nearest the transcript's 3' end. VCF-style (leftmost placement, unchanged base first): chr7-117614610-T-TAGGAGA. GRCh37 (hg19) VCF-style: chr7-117254664-T-TAGGAGA.
Identifiers: ClinVar variation 439074 (VCV000439074.5), dbSNP rs1554392764, ClinGen allele CA645509186.